The following is an entry in ClinVar:

ClinVar aggregate classification (germline): Uncertain significance (1 of 4 stars; one submission).

Allele frequency attached by ClinVar (database versions not stated): ExAC 0.00001; gnomAD 0.00001; gnomAD exomes 0.00001; TOPMed 0.00002.
gnomAD v4.1: 13 of 1,605,282 alleles (0.00081%); highest among the groups gnomAD compares: East Asian, 0.0067%; no homozygotes.

Submission:

Labcorp Genetics (formerly Invitae), Labcorp
Classification: Uncertain significance. Last evaluated: 2023-11-05. Review status: criteria provided, single submitter. Criteria: Invitae Variant Classification Sherloc (09022015). Collection method: clinical testing. Allele origin: germline.
Comment: This sequence change replaces arginine, which is basic and polar, with cysteine, which is neutral and slightly polar, at codon 910 of the CTR9 protein (p.Arg910Cys). This variant is present in population databases (rs761302085, gnomAD 0.01%). This variant has not been reported in the literature in individuals affected with CTR9-related conditions. ClinVar contains an entry for this variant (Variation ID: 2171815). An algorithm developed to predict the effect of missense changes on protein structure and function (PolyPhen-2) suggests that this variant is likely to be disruptive. In summary, the available evidence is currently insufficient to determine the role of this variant in disease. Therefore, it has been classified as a Variant of Uncertain Significance.

NM_014633.5(CTR9):c.2728C>T (p.Arg910Cys)

Gene: CTR9 (CTR9 component of Paf1/RNA polymerase II complex; plus strand). Cytogenetic location: 11p15.4.
Variant type: single nucleotide variant.
Coding change: c.2728C>T on transcript NM_014633.5 (MANE Select); coding-DNA position 2728, C replaced by T.
Protein change: p.Arg910Cys; replaces arginine 910 with cysteine.
Molecular consequence: missense variant.
Genome position (GRCh38, 1-based): chr11:10,774,012, C>T. VCF-style: chr11-10774012-C-T. GRCh37 (hg19) VCF-style: chr11-10795559-C-T.
Other names: c.2656C>T, p.Arg886Cys (NM_001346279.2); short protein forms R910C, R886C.
Identifiers: ClinVar variation 2171815 (VCV002171815.4), dbSNP rs761302085, ClinGen allele CA5885409.
Genomic context (GRCh38, chr11:10,774,012, plus strand): 5'-CATTCTAACCACATTCCACCAACCAGGAAATAACTGACTATAGTGTTGTTTGGATTTTAG[C>T]GTTCTAAGAAGGGAGGAGAGTTTGATGAATTTGTCAATGATGACACTGATGATGACCTAC-3'
Protein context (NP_055448.1, residues 900-920): EKKRGGGGGR[Arg910Cys]SKKGGEFDEF